The following is an entry in ClinVar:

NM_001005273.3(CHD3):c.3736_3738del (p.Lys1246del)

Gene: CHD3 (chromodomain helicase DNA binding protein 3; plus strand). Cytogenetic location: 17p13.1.
Variant type: Deletion.
Coding change: c.3736_3738del on transcript NM_001005273.3 (MANE Select); coding-DNA positions 3736 to 3738, 3 bases deleted (AAG; older notation c.3736_3738delAAG).
Protein change: p.Lys1246del; deletes lysine 1246.
Molecular consequence: inframe deletion.
Genome position (GRCh38, 1-based): chr17:7,903,833-7,903,835, AAG deleted. VCF-style (leftmost placement, unchanged base first): chr17-7903832-CAAG-C. GRCh37 (hg19) VCF-style: chr17-7807150-CAAG-C.
Other names: c.3913_3915del, p.Lys1305del (NM_001005271.3); c.3736_3738del, p.Lys1246del (NM_005852.4); short protein forms K1305del, K1246del.
Identifiers: ClinVar variation 3144112 (VCV003144112.1), dbSNP rs1442604915, ClinGen allele CA624867408.

ClinVar aggregate classification (germline): Uncertain significance (1 of 4 stars; one submission).

Conditions:
Inborn genetic diseases. Identifiers: MedGen C0950123, MeSH D030342.

Allele frequency attached by ClinVar (database versions not stated): gnomAD exomes 0.00001.

Submission:

Ambry Genetics
Classification: Uncertain significance for Inborn genetic diseases. Last evaluated: 2024-02-29. Review status: criteria provided, single submitter. Criteria: Ambry Variant Classification Scheme 2023. Collection method: clinical testing. Allele origin: germline.
Comment: The c.3913_3915delAAG (p.K1305del) alteration, located in coding exon 24 of the CHD3 gene, results from an in-frame deletion of 3 nucleotides at positions c.3913 to c.3915. This results in the deletion of a lysine residue at codon 1305. This allele was reported in one heterozygous individual in population-based cohorts in the Genome Aggregation Database (gnomAD). This amino acid position is well conserved in available vertebrate species. This alteration is predicted to be deleterious by in silico analysis (Choi, 2012). Based on insufficient or conflicting evidence, the clinical significance of this alteration remains unclear.